The following is an entry in ClinVar:

ClinVar aggregate classification (germline): Likely pathogenic (1 of 4 stars; one submission).

Conditions:
Familial dysautonomia. Also called: HSAN III; FD. Identifiers: Orphanet 1764, MedGen C0013364, MONDO:0009131, OMIM 223900. Disease mechanism: loss of function.

Submission:

Natera, Inc.
Classification: Likely pathogenic for Familial dysautonomia. Last evaluated: 2025-11-25. Review status: criteria provided, single submitter. Criteria: Natera Variant Classification Schema (03/2026). Collection method: clinical testing. Allele origin: germline.
Comment: The c.3624_3627delAGAA variant in ELP1 is a frameshift variant predicted to shift the reading frame beginning at codon 1209 and leads to a stop codon 13 codons downstream. This variant is expected to result in nonsense mediated decay, truncation, or a dysfunctional protein product. This variant is rare in the general population with a frequency below the threshold expected for the associated phenotype(s). Given the available evidence, this variant is classified as Likely Pathogenic.

NM_003640.5(ELP1):c.3624_3627del (p.Glu1209fs)

Gene: ELP1 (elongator acetyltransferase complex subunit 1; minus strand). Cytogenetic location: 9q31.3.
Variant type: Deletion.
Coding change: c.3624_3627del on transcript NM_003640.5 (MANE Select); coding-DNA positions 3624 to 3627, 4 bases deleted (AGAA; older notation c.3624_3627delAGAA).
Protein change: p.Glu1209fs; shifts the reading frame from glutamic acid 1209.
Molecular consequence: frameshift variant.
Genome position (GRCh38, 1-based): chr9:108,878,696-108,878,699, TTCT deleted on the plus strand (AGAA on the coding strand, the reverse complement: ELP1 is on the minus strand); deleting any 4 consecutive bases within chr9:108,878,696-108,878,701 gives the same sequence; the c. name uses the placement nearest the transcript's 3' end. VCF-style (leftmost placement, unchanged base first): chr9-108878695-CTTCT-C. GRCh37 (hg19) VCF-style: chr9-111640975-CTTCT-C.
Other names: c.3282_3285del, p.Glu1095fs (NM_001318360.2); c.2577_2580del, p.Glu860fs (NM_001330749.2); short protein forms E1095fs, E1209fs, E860fs.
Identifiers: ClinVar variation 4815234 (VCV004815234.1).